The following is an entry in ClinVar:

NM_001170629.2(CHD8):c.2555A>G (p.Glu852Gly)

Gene: CHD8 (chromodomain helicase DNA binding protein 8; minus strand). Cytogenetic location: 14q11.2.
Variant type: single nucleotide variant.
Coding change: c.2555A>G on transcript NM_001170629.2 (MANE Select); coding-DNA position 2555, A replaced by G.
Protein change: p.Glu852Gly; replaces glutamic acid 852 with glycine.
Molecular consequence: missense variant.
Genome position (GRCh38, 1-based): chr14:21,408,487, T>C on the plus strand (A>G on the coding strand, the complement: CHD8 is on the minus strand). VCF-style: chr14-21408487-T-C. GRCh37 (hg19) VCF-style: chr14-21876646-T-C.
Other names: c.1718A>G, p.Glu573Gly (NM_020920.4); short protein forms E852G, E573G.
Identifiers: ClinVar variation 5008236 (VCV005008236.1).
Genomic context (GRCh38, chr14:21,408,487, plus strand): 5'-GTAATTGTGGACAGTGGGGCAATGACCAAGAAGGGACCATGGATGCCCACATTATATACT[T>C]CCTGCAAGAAGGCAATGGACTGAATAGTTTTGCCCAATCCCATCTCATCAGCCAGGATGC-3'
Protein context (NP_001164100.1, residues 842-862): KTIQSIAFLQ[Glu852Gly]VYNVGIHGPF

ClinVar aggregate classification (germline): Uncertain significance (1 of 4 stars; one submission).

Submission:

GeneDx
Classification: Uncertain significance. Last evaluated: 2026-02-27. Review status: criteria provided, single submitter. Criteria: GeneDx Variant Classification Process June 2021. Collection method: clinical testing. Allele origin: germline.
Comment: Not observed at significant frequency in large population cohorts (gnomAD); In silico analysis supports that this missense variant has a deleterious effect on protein structure/function; Has not been previously published as pathogenic or benign to our knowledge